The following is an entry in ClinVar:

NM_001085049.3(MRAS):c.354A>G (p.Ser118=)

Gene: MRAS (muscle RAS oncogene homolog; plus strand). Cytogenetic location: 3q22.3.
Variant type: single nucleotide variant.
Coding change: c.354A>G on transcript NM_001085049.3 (MANE Select); coding-DNA position 354, A replaced by G.
Protein change: p.Ser118=; no amino-acid change (serine 118 retained).
Molecular consequence: synonymous variant.
Genome position (GRCh38, 1-based): chr3:138,398,475, A>G. VCF-style: chr3-138398475-A-G. GRCh37 (hg19) VCF-style: chr3-138117317-A-G.
Other names: p.Ser118=; c.354A>G, p.Ser118= (NM_001252090.2, NM_012219.4); c.126A>G, p.Ser42= (NM_001252091.1, NM_001252092.2, NM_001252093.2).
Identifiers: ClinVar variation 4684726 (VCV004684726.1).
Genomic context (GRCh38, chr3:138,398,475, plus strand): 5'-CAGGTGTGAGGGGTGGTGGAAACCTCACAGAGCTGCTGTTCCTTTATTTCCCAGGGAGTC[A>G]TTCCCGATGATCCTCGTGGCCAACAAGGTCGATTTGATGCACTTGAGGAAGATCACCAGG-3'
Protein context (NP_001078518.1, residues 108-128): QLILRVKDRE[Ser118=]FPMILVANKV

ClinVar aggregate classification (germline): Likely benign (1 of 4 stars; one submission).

gnomAD v4.1: 35 of 1,614,100 alleles (0.0022%); highest among the groups gnomAD compares: Middle Eastern, 0.016%; no homozygotes.

Submission:

Mayo Clinic Laboratories, Mayo Clinic
Classification: Likely benign. Last evaluated: 2025-01-30. Review status: criteria provided, single submitter. Criteria: ACMG Guidelines, 2015. Collection method: clinical testing. Allele origin: germline. Observed: 1 variant allele.
Comment: BP4, BP7